The following is an entry in ClinVar:

ClinVar aggregate classification (germline): Uncertain significance (1 of 4 stars; one submission).

Conditions:
Cardiovascular phenotype. Identifiers: MedGen CN230736.

Allele frequency attached by ClinVar (database versions not stated): gnomAD exomes below 0.00001; ExAC 0.00001.
gnomAD v4.1: 1 of 1,613,928 alleles (0.000062%); highest among the groups gnomAD compares: Non-Finnish European, 0.000085%; no homozygotes.

Submission:

Ambry Genetics
Classification: Uncertain significance for Cardiovascular phenotype. Last evaluated: 2015-05-20. Review status: criteria provided, single submitter. Criteria: Ambry Variant Classification Scheme 2023. Collection method: clinical testing. Allele origin: germline.
Comment: The p.A317P variant (also known as c.949G>C), located in coding exon 9 of the ANKRD1 gene, results from a G to C substitution at nucleotide position 949. The alanine at codon 317 is replaced by proline, an amino acid with highly similar properties. This amino acid position is not well conserved in available vertebrate species. In addition, this alteration is predicted to be tolerated by in silico analysis. Since supporting evidence is limited at this time, the clinical significance of this alteration remains unclear.

NM_014391.3(ANKRD1):c.949G>C (p.Ala317Pro)

Gene: ANKRD1 (ankyrin repeat domain 1; minus strand). Cytogenetic location: 10q23.31.
Variant type: single nucleotide variant.
Coding change: c.949G>C on transcript NM_014391.3 (MANE Select); coding-DNA position 949, G replaced by C.
Protein change: p.Ala317Pro; replaces alanine 317 with proline.
Molecular consequence: missense variant.
Genome position (GRCh38, 1-based): chr10:90,912,877, C>G on the plus strand (G>C on the coding strand, the complement: ANKRD1 is on the minus strand). VCF-style: chr10-90912877-C-G. GRCh37 (hg19) VCF-style: chr10-92672634-C-G.
Other names: short protein forms A317P.
Identifiers: ClinVar variation 264067 (VCV000264067.5), dbSNP rs771333829, ClinGen allele CA5598561.